The following is an entry in ClinVar:

ClinVar aggregate classification (germline): Conflicting classifications of pathogenicity. Review status: criteria provided, conflicting classifications (1 of 4 stars). 4 submissions from 4 submitters: Pathogenic (1); Likely pathogenic (2); Uncertain significance (1). Last evaluated 2025-08-21.

Conditions:
ALG3-congenital disorder of glycosylation. Also called: CARBOHYDRATE-DEFICIENT GLYCOPROTEIN SYNDROME, TYPE IV; CDGS, TYPE IV; CONGENITAL DISORDER OF GLYCOSYLATION, TYPE Id; CDG Id; ALG3-CDG. Identifiers: Orphanet 79321, MedGen C1832736, MONDO:0010998, OMIM 601110.

Allele frequency attached by ClinVar (database versions not stated): gnomAD exomes 0.00004; TOPMed 0.00004; ExAC 0.00005; gnomAD 0.00003.

Submissions (4):

GeneDx
Classification: Uncertain significance. Last evaluated: 2025-08-21. Review status: criteria provided, single submitter. Criteria: GeneDx Variant Classification Process June 2021. Collection method: clinical testing. Allele origin: germline.
Comment: Nonsense variant predicted to result in protein truncation or nonsense mediated decay in a gene for which loss of function is a known mechanism of disease; Has not been previously published as pathogenic or benign to our knowledge

Revvity Omics, Revvity
Classification: Likely pathogenic for ALG3-congenital disorder of glycosylation. Last evaluated: 2024-01-25. Review status: criteria provided, single submitter. Criteria: ACMG Guidelines, 2015. Collection method: clinical testing. Allele origin: germline.

Clinical Genetics and Genomics, Karolinska University Hospital
Classification: Pathogenic. Last evaluated: 2015-12-15. Review status: criteria provided, single submitter. Criteria: ACMG Guidelines, 2015. Collection method: clinical testing. Allele origin: germline. Affected: yes. Observed: 1 variant allele.

Neuberg Centre For Genomic Medicine, NCGM
Classification: Likely pathogenic for ALG3-congenital disorder of glycosylation. Review status: criteria provided, single submitter. Criteria: ACMG Guidelines, 2015. Collection method: clinical testing. Allele origin: germline. Inheritance: Autosomal recessive inheritance. Affected: yes.
Comment: The stop gained c.349C>T (p.Arg117Ter) variant in the ALG3 gene has not been reported previously as a pathogenic variant nor as a benign variant, to our knowledge. This variant is reported with the allele frequency (0.004%) in the gnomAD Exomes. It is submitted to ClinVar as Pathogenic/ Uncertain Significance. However, no details are available for independent assessment. This variant is predicted to cause loss of normal protein function either through protein truncation or nonsense-mediated mRNA decay. Loss of function variants have been previously reported to be disease causing. The nucleotide change c.349C>T in ALG3 is predicted as conserved by GERP++ and PhyloP across 100 vertebrates. Further studies are required to prove the pathogenicity of the variant. For these reasons, this variant has been classified as Likely Pathogenic.

NM_005787.6(ALG3):c.349C>T (p.Arg117Ter)

Gene: ALG3 (ALG3 alpha-1,3- mannosyltransferase; minus strand). Cytogenetic location: 3q27.1.
Variant type: single nucleotide variant.
Coding change: c.349C>T on transcript NM_005787.6 (MANE Select); coding-DNA position 349, C replaced by T.
Protein change: p.Arg117Ter; replaces arginine 117 with a stop codon.
Molecular consequence: nonsense. On other transcripts: non-coding transcript variant (2).
Genome position (GRCh38, 1-based): chr3:184,245,563, G>A on the plus strand (C>T on the coding strand, the complement: ALG3 is on the minus strand). VCF-style: chr3-184245563-G-A. GRCh37 (hg19) VCF-style: chr3-183963351-G-A.
Other names: c.205C>T, p.Arg69Ter (NM_001006941.2); short protein forms R117*, R69*.
Identifiers: ClinVar variation 988294 (VCV000988294.8), dbSNP rs753238253, ClinGen allele CA2729559.